The following is an entry in ClinVar:

ClinVar aggregate classification (germline): Uncertain significance. Review status: criteria provided, multiple submitters, no conflicts (2 of 4 stars). 2 submissions from 2 submitters: Uncertain significance (2). Last evaluated 2023-05-14.

Conditions:
Hereditary cancer-predisposing syndrome. Also called: Hereditary neoplastic syndrome; Tumor predisposition; Neoplastic Syndromes, Hereditary; Hereditary Cancer Syndrome. Identifiers: Orphanet 140162, MedGen C0027672, MeSH D009386, MONDO:0015356.
Nijmegen breakage syndrome-like disorder (NBSLD). Also called: MICROCEPHALY AND SPONTANEOUS CHROMOSOME INSTABILITY WITHOUT IMMUNODEFICIENCY; NBS-LIKE DISORDER; RAD50 DEFICIENCY. Identifiers: Orphanet 240760, MedGen C2751318, MONDO:0013118, OMIM 613078.

Submissions (2):

Baylor Genetics
Classification: Uncertain significance for Nijmegen breakage syndrome-like disorder. Last evaluated: 2023-05-14. Review status: criteria provided, single submitter. Criteria: ACMG Guidelines, 2015. Collection method: clinical testing. Allele origin: unknown.

Labcorp Genetics (formerly Invitae), Labcorp
Classification: Uncertain significance for Hereditary cancer-predisposing syndrome. Last evaluated: 2018-05-30. Review status: criteria provided, single submitter. Criteria: Invitae Variant Classification Sherloc (09022015). Collection method: clinical testing. Allele origin: germline.
Comment: This sequence change replaces glutamine with arginine at codon 1259 of the RAD50 protein (p.Gln1259Arg). The glutamine residue is moderately conserved and there is a small physicochemical difference between glutamine and arginine. In summary, the available evidence is currently insufficient to determine the role of this variant in disease. Therefore, it has been classified as a Variant of Uncertain Significance. Algorithms developed to predict the effect of missense changes on protein structure and function are either unavailable or do not agree on the potential impact of this missense change (SIFT: "Tolerated"; PolyPhen-2: "Probably Damaging"; Align-GVGD: "Class C0"). This variant has not been reported in the literature in individuals with RAD50-related disease. This variant is not present in population databases (ExAC no frequency).

NM_005732.4(RAD50):c.3776A>G (p.Gln1259Arg)

Genes: RAD50 (RAD50 double strand break repair protein; plus strand), TH2LCRR (T helper type 2 locus control region associated RNA; minus strand). Cytogenetic location: 5q31.1.
Variant type: single nucleotide variant.
Coding change: c.3776A>G on transcript NM_005732.4 (MANE Select); coding-DNA position 3776, A replaced by G.
Protein change: p.Gln1259Arg; replaces glutamine 1259 with arginine.
Molecular consequence: missense variant. On other transcripts: non-coding transcript variant (1).
Genome position (GRCh38, 1-based): chr5:132,642,201, A>G. VCF-style: chr5-132642201-A-G. GRCh37 (hg19) VCF-style: chr5-131977893-A-G.
Other names: short protein forms Q1259R.
Identifiers: ClinVar variation 569669 (VCV000569669.10), dbSNP rs1561661762, ClinGen allele CA360935691.